The following is an entry in ClinVar:

ClinVar aggregate classification (germline): Uncertain significance (1 of 4 stars; one submission).

Submission:

Labcorp Genetics (formerly Invitae), Labcorp
Classification: Uncertain significance. Last evaluated: 2024-05-17. Review status: criteria provided, single submitter. Criteria: Invitae Variant Classification Sherloc (09022015). Collection method: clinical testing. Allele origin: germline.
Comment: This sequence change replaces glycine, which is neutral and non-polar, with arginine, which is basic and polar, at codon 516 of the ADGRB2 protein (p.Gly516Arg). This variant is present in population databases (rs758757792, gnomAD 0.006%). This variant has not been reported in the literature in individuals affected with ADGRB2-related conditions. An algorithm developed to predict the effect of missense changes on protein structure and function (PolyPhen-2) suggests that this variant is likely to be disruptive. In summary, the available evidence is currently insufficient to determine the role of this variant in disease. Therefore, it has been classified as a Variant of Uncertain Significance.

NM_001364857.2(ADGRB2):c.1546G>A (p.Gly516Arg)

Gene: ADGRB2 (adhesion G protein-coupled receptor B2; minus strand). Cytogenetic location: 1p35.2.
Variant type: single nucleotide variant.
Coding change: c.1546G>A on transcript NM_001364857.2 (MANE Select); coding-DNA position 1546, G replaced by A.
Protein change: p.Gly516Arg; replaces glycine 516 with arginine.
Molecular consequence: missense variant.
Genome position (GRCh38, 1-based): chr1:31,741,839, C>T on the plus strand (G>A on the coding strand, the complement: ADGRB2 is on the minus strand). VCF-style: chr1-31741839-C-T. GRCh37 (hg19) VCF-style: chr1-32207440-C-T.
Other names: c.1546G>A, p.Gly516Arg (NM_001294335.2, NM_001294336.2); short protein forms G516R.
Identifiers: ClinVar variation 3607689 (VCV003607689.2).